The following is an entry in ClinVar:

NM_003072.5(SMARCA4):c.205A>G (p.Met69Val)

Gene: SMARCA4 (SWI/SNF related BAF chromatin remodeling complex subunit ATPase 4; plus strand). Cytogenetic location: 19p13.2.
Variant type: single nucleotide variant.
Coding change: c.205A>G on transcript NM_003072.5 (MANE Select); coding-DNA position 205, A replaced by G.
Protein change: p.Met69Val; replaces methionine 69 with valine.
Molecular consequence: missense variant. On other transcripts: non-coding transcript variant (1).
Genome position (GRCh38, 1-based): chr19:10,984,356, A>G. VCF-style: chr19-10984356-A-G. GRCh37 (hg19) VCF-style: chr19-11095032-A-G.
Other names: c.205A>G, p.Met69Val (NM_001128844.3, NM_001128845.2, NM_001128846.2 and 5 more transcripts); c.205A>G (NM_001128849.1); short protein forms M69V.
Identifiers: ClinVar variation 1502306 (VCV001502306.9), dbSNP rs2085822268, ClinGen allele CA404054664.

ClinVar aggregate classification (germline): Uncertain significance. Review status: criteria provided, multiple submitters, no conflicts (2 of 4 stars). 2 submissions from 2 submitters: Uncertain significance (2). Last evaluated 2026-01-04.

Conditions:
Hereditary cancer-predisposing syndrome. Also called: Neoplastic Syndromes, Hereditary; Tumor predisposition; Hereditary Cancer Syndrome; Hereditary neoplastic syndrome. Identifiers: Orphanet 140162, MedGen C0027672, MeSH D009386, MONDO:0015356.
Rhabdoid tumor predisposition syndrome 2 (RTPS2). Identifiers: Orphanet 231108, Orphanet 69077, MedGen C2750074, MONDO:0013224, OMIM 613325.

Allele frequency attached by ClinVar (database versions not stated): gnomAD 0.00001.

Submissions (2):

Ambry Genetics
Classification: Uncertain significance for Hereditary cancer-predisposing syndrome. Last evaluated: 2026-01-04. Review status: criteria provided, single submitter. Criteria: Ambry Variant Classification Scheme 2023. Collection method: clinical testing. Allele origin: germline.
Comment: The p.M69V variant (also known as c.205A>G), located in coding exon 1 of the SMARCA4 gene, results from an A to G substitution at nucleotide position 205. The methionine at codon 69 is replaced by valine, an amino acid with highly similar properties. This amino acid position is conserved. In addition, the in silico prediction for this alteration is inconclusive. Based on the available evidence, the clinical significance of this variant remains unclear.

Labcorp Genetics (formerly Invitae), Labcorp
Classification: Uncertain significance for Rhabdoid tumor predisposition syndrome 2. Last evaluated: 2025-08-20. Review status: criteria provided, single submitter. Criteria: Invitae Variant Classification Sherloc (09022015). Collection method: clinical testing. Allele origin: germline.
Comment: This sequence change replaces methionine, which is neutral and non-polar, with valine, which is neutral and non-polar, at codon 69 of the SMARCA4 protein (p.Met69Val). This variant is not present in population databases (gnomAD no frequency). This variant has not been reported in the literature in individuals affected with SMARCA4-related conditions. ClinVar contains an entry for this variant (Variation ID: 1502306). Invitae Evidence Modeling of protein sequence and biophysical properties (such as structural, functional, and spatial information, amino acid conservation, physicochemical variation, residue mobility, and thermodynamic stability) indicates that this missense variant is not expected to disrupt SMARCA4 protein function with a negative predictive value of 95%. In summary, the available evidence is currently insufficient to determine the role of this variant in disease. Therefore, it has been classified as a Variant of Uncertain Significance.